The following is an entry in ClinVar:

ClinVar aggregate classification (germline): Uncertain significance (1 of 4 stars; one submission).

Allele frequency attached by ClinVar (database versions not stated): gnomAD exomes below 0.00001; ExAC 0.00001.
gnomAD v4.1: 2 of 1,597,432 alleles (0.00013%); highest among the groups gnomAD compares: Non-Finnish European, 0.00017%; no homozygotes.

Submission:

GeneDx
Classification: Uncertain significance. Last evaluated: 2019-12-02. Review status: criteria provided, single submitter. Criteria: GeneDx Variant Classification Process June 2021. Collection method: clinical testing. Allele origin: germline. Affected: yes.
Comment: Not observed at a significant frequency in large population cohorts (Lek et al., 2016); In silico analysis, which includes protein predictors and evolutionary conservation, supports a deleterious effect; Has not been previously published as pathogenic or benign to our knowledge

NM_001145809.2(MYH14):c.3857C>T (p.Ala1286Val)

Gene: MYH14 (myosin heavy chain 14; plus strand). Cytogenetic location: 19q13.33.
Variant type: single nucleotide variant.
Coding change: c.3857C>T on transcript NM_001145809.2 (MANE Select); coding-DNA position 3857, C replaced by T.
Protein change: p.Ala1286Val; replaces alanine 1286 with valine.
Molecular consequence: missense variant.
Genome position (GRCh38, 1-based): chr19:50,278,114, C>T. VCF-style: chr19-50278114-C-T. GRCh37 (hg19) VCF-style: chr19-50781371-C-T.
Other names: c.3758C>T, p.Ala1253Val (NM_001077186.2); c.3734C>T, p.Ala1245Val (NM_024729.4); short protein forms A1245V, A1253V, A1286V.
Identifiers: ClinVar variation 1310789 (VCV001310789.2), dbSNP rs747690351, ClinGen allele CA9593352.